The following is an entry in ClinVar:

ClinVar aggregate classification (germline): Likely pathogenic (1 of 4 stars; one submission).

Conditions:
Myopathy, lactic acidosis, and sideroblastic anemia. Also called: Mitochondrial myopathy and sideroblastic anemia; Myopathy with lactic acidosis and sideroblastic anemia. Identifiers: Orphanet 2598, MedGen C1838103, MONDO:0000863.

Submission:

Natera, Inc.
Classification: Likely pathogenic for Mitochondrial myopathy and sideroblastic anemia. Last evaluated: 2025-01-21. Review status: criteria provided, single submitter. Criteria: Natera Variant Classification Schema (03/2026). Collection method: clinical testing. Allele origin: germline.
Comment: The c.430dup variant in PUS1 is a frameshift variant predicted to shift the reading frame beginning at codon 144 and leads to a stop codon 21 codons downstream. This variant is expected to result in nonsense mediated decay, truncation, or a dysfunctional protein product. This variant is rare in the general population with a frequency below the threshold expected for the associated phenotype(s). Given the available evidence, this variant is classified as Likely Pathogenic.

NM_025215.6(PUS1):c.430dup (p.Arg144fs)

Genes: PUS1 (pseudouridine synthase 1; plus strand), LOC132090059 (Neanderthal introgressed variant-containing enhancer experimental_25941; plus strand). Cytogenetic location: 12q24.33.
Variant type: Duplication.
Coding change: c.430dup on transcript NM_025215.6 (MANE Select); coding-DNA position 430, one base duplicated (C; older notation c.430dupC).
Protein change: p.Arg144fs; shifts the reading frame from arginine 144.
Molecular consequence: frameshift variant.
Genome position (GRCh38, 1-based): chr12:131,932,301, C duplicated; the last of 3 consecutive C bases (chr12:131,932,299-131,932,301); duplicating any one gives the same sequence. VCF-style (leftmost placement, unchanged base first): chr12-131932298-G-GC. GRCh37 (hg19) VCF-style: chr12-132416843-G-GC.
Other names: c.346dup, p.Arg116fs (NM_001002019.3, NM_001002020.3); short protein forms R116fs, R144fs.
Identifiers: ClinVar variation 4060585 (VCV004060585.2).
Genomic context (GRCh38, chr12:131,932,298, plus strand): 5'-TCAGGCTGTATTCCTGAAAATCATGGTGAGGACATGAGGAAAATGTCCTTCCAGCGCTGC[G>GC]CCCGGACAGACAAGGTGGGTGGTGGCCTTCTCTGCCCCTCCCCCGCTGCTATGAGCAGCA-3'